The following is an entry in ClinVar:

ClinVar aggregate classification (germline): Uncertain significance. Review status: criteria provided, multiple submitters, no conflicts (2 of 4 stars). 3 submissions from 3 submitters: Uncertain significance (3). Last evaluated 2026-08-08.

Conditions:
Arrhythmogenic right ventricular dysplasia 10. Also called: Arrhythmogenic Right Ventricular Dysplasia/Cardiomyopathy10; Arrhythmogenic right ventricular dysplasia/cardiomyopathy, type 10; ARRHYTHMOGENIC RIGHT VENTRICULAR DYSPLASIA, FAMILIAL, 10. Identifiers: MedGen C1857777, MONDO:0012434, OMIM 610193.
Cardiomyopathy (CMYO). Also called: Cardiomyopathies. Identifiers: Orphanet 167848, MedGen C0878544, MONDO:0004994, HP:0001638. Inheritance: Various modes of inheritance.
Cardiovascular phenotype. Identifiers: MedGen CN230736.

Allele frequency attached by ClinVar (database versions not stated): gnomAD exomes below 0.00001.
gnomAD v4.1: 1 of 1,614,174 alleles (0.000062%); highest among the groups gnomAD compares: Non-Finnish European, 0.000085%; no homozygotes.

Submissions (3):

Ambry Genetics
Classification: Uncertain significance for Cardiovascular phenotype. Last evaluated: 2026-08-08. Review status: criteria provided, single submitter. Criteria: Ambry Variant Classification Scheme 2023. Collection method: clinical testing. Allele origin: germline.
Comment: The p.M696I variant (also known as c.2088G>A), located in coding exon 14 of the DSG2 gene, results from a G to A substitution at nucleotide position 2088. The methionine at codon 696 is replaced by isoleucine, an amino acid with highly similar properties. This amino acid position is conserved. In addition, this alteration is predicted to be tolerated by in silico analysis. Based on the available evidence, the clinical significance of this variant remains unclear.

Labcorp Genetics (formerly Invitae), Labcorp
Classification: Uncertain significance for Arrhythmogenic right ventricular dysplasia 10. Last evaluated: 2025-10-08. Review status: criteria provided, single submitter. Criteria: Invitae Variant Classification Sherloc (09022015). Collection method: clinical testing. Allele origin: germline.
Comment: This sequence change replaces methionine, which is neutral and non-polar, with isoleucine, which is neutral and non-polar, at codon 696 of the DSG2 protein (p.Met696Ile). This variant is not present in population databases (gnomAD no frequency). This variant has not been reported in the literature in individuals affected with DSG2-related conditions. ClinVar contains an entry for this variant (Variation ID: 659452). Invitae Evidence Modeling of protein sequence and biophysical properties (such as structural, functional, and spatial information, amino acid conservation, physicochemical variation, residue mobility, and thermodynamic stability) indicates that this missense variant is not expected to disrupt DSG2 protein function with a negative predictive value of 95%. In summary, the available evidence is currently insufficient to determine the role of this variant in disease. Therefore, it has been classified as a Variant of Uncertain Significance.

Color Diagnostics, LLC DBA Color Health
Classification: Uncertain significance for Cardiomyopathy. Last evaluated: 2024-03-06. Review status: criteria provided, single submitter. Criteria: ACMG Guidelines, 2015. Collection method: clinical testing. Allele origin: germline.
Comment: This missense variant replaces methionine with isoleucine at codon 696 of the DSG2 protein. Computational prediction suggests that this variant may not impact protein structure and function (internally defined REVEL score threshold <= 0.5, PMID: 27666373). To our knowledge, functional studies have not been reported for this variant. This variant has not been reported in individuals affected with cardiovascular disorders in the literature. This variant has not been identified in the general population by the Genome Aggregation Database (gnomAD). The available evidence is insufficient to determine the role of this variant in disease conclusively. Therefore, this variant is classified as a Variant of Uncertain Significance.

NM_001943.5(DSG2):c.2088G>A (p.Met696Ile)

Genes: DSG2 (desmoglein 2; plus strand), DSG2-AS1 (DSG2 antisense RNA 1; minus strand). Cytogenetic location: 18q12.1.
Variant type: single nucleotide variant.
Coding change: c.2088G>A on transcript NM_001943.5 (MANE Select); coding-DNA position 2088, G replaced by A.
Protein change: p.Met696Ile; replaces methionine 696 with isoleucine.
Molecular consequence: missense variant.
Genome position (GRCh38, 1-based): chr18:31,542,606, G>A. VCF-style: chr18-31542606-G-A. GRCh37 (hg19) VCF-style: chr18-29122569-G-A.
Other names: c.2088G>A (LRG_397t1); short protein forms M696I.
Identifiers: ClinVar variation 659452 (VCV000659452.14), dbSNP rs1598823943, ClinGen allele CA402141577.